The following is an entry in ClinVar:

ClinVar aggregate classification (germline): Likely benign. Review status: criteria provided, multiple submitters, no conflicts (2 of 4 stars). 4 submissions from 4 submitters: Likely benign (4). Last evaluated 2026-07-02.

Conditions:
Long QT syndrome (LQTS). Identifiers: MedGen C0023976, MeSH D008133, MONDO:0002442. Disease mechanism: loss of function. Inheritance: Various modes of inheritance.
CACNA1C-related disorder. Also called: CACNA1C-related disorders; CACNA1C-related condition. Identifiers: MONDO:0700321, MedGen CN381092.

Allele frequency attached by ClinVar (database versions not stated): gnomAD exomes 0.00004 and 0.00002; ExAC 0.00007; gnomAD 0.00010 and 0.00013; TOPMed 0.00008; ESP Exome Variant Server 0.00016.
gnomAD v4.1: 50 of 1,611,056 alleles (0.0031%); highest among the groups gnomAD compares: African/African-American, 0.029%; no homozygotes.

Submissions (4):

PreventionGenetics, part of Exact Sciences
Classification: Likely benign for CACNA1C-related condition. Last evaluated: 2026-07-02. Review status: criteria provided, single submitter. Criteria: ACMG Guidelines, 2015. Collection method: clinical testing. Allele origin: germline.
Comment: This variant is classified as likely benign based on ACMG/AMP sequence variant interpretation guidelines (Richards et al. 2015 PMID: 25741868, with internal and published modifications).

Labcorp Genetics (formerly Invitae), Labcorp
Classification: Likely benign for Long QT syndrome. Last evaluated: 2025-12-08. Review status: criteria provided, single submitter. Criteria: Invitae Variant Classification Sherloc (09022015). Collection method: clinical testing. Allele origin: germline.

Molecular Diagnostic Laboratory for Inherited Cardiovascular Disease, Montreal Heart Institute
Classification: Likely benign. Last evaluated: 2025-04-09. Review status: criteria provided, single submitter. Criteria: ACMG Guidelines, 2015. Collection method: clinical testing. Allele origin: germline. Affected: no.
Comment: BP6

GeneDx
Classification: Likely benign. Last evaluated: 2016-10-26. Review status: criteria provided, single submitter. Criteria: GeneDx Variant Classification (06012015). Collection method: clinical testing. Allele origin: germline. Affected: yes.
Comment: This variant is considered likely benign or benign based on one or more of the following criteria: it is a conservative change, it occurs at a poorly conserved position in the protein, it is predicted to be benign by multiple in silico algorithms, and/or has population frequency not consistent with disease.

NM_000719.7(CACNA1C):c.4829-8C>T

Genes: CACNA1C (calcium voltage-gated channel subunit alpha1 C; plus strand), CACNA1C-AS1 (CACNA1C antisense RNA 1; minus strand). Cytogenetic location: 12p13.33.
Variant type: single nucleotide variant.
Coding change: c.4829-8C>T on transcript NM_000719.7 (MANE Select); 8 bases into the intron before coding-DNA position 4829, C replaced by T.
Molecular consequence: intron variant. On other transcripts: non-coding transcript variant (1).
Genome position (GRCh38, 1-based): chr12:2,677,086, C>T. VCF-style: chr12-2677086-C-T. GRCh37 (hg19) VCF-style: chr12-2786252-C-T.
Other names: c.4829-8C>T (NM_001167624.3, NM_001167623.2, NM_001129840.2 and 4 more transcripts); c.4796-8C>T (NM_001167625.2, NM_001129846.2); c.4973-8C>T (NM_199460.4, NM_001129827.2); c.4889-8C>T (NM_001129832.2); c.4913-8C>T (NM_001129831.2); c.4886-8C>T (NM_001129833.2, NM_001129834.2, NM_001129835.2); c.4952-8C>T (NM_001129829.2); c.4853-8C>T (NM_001129837.2, NM_001129838.2); and 3 more.
Identifiers: ClinVar variation 377611 (VCV000377611.12), dbSNP rs370969487, ClinGen allele CA6389631.